The following is an entry in ClinVar:

ClinVar aggregate classification (germline): Conflicting classifications of pathogenicity. Review status: criteria provided, conflicting classifications (1 of 4 stars). 6 submissions from 6 submitters: Uncertain significance (2); Benign (1); Likely benign (3). Last evaluated 2026-06-04.

Conditions:
Ehlers-Danlos syndrome, classic type, 1 (EDSCL1). Also called: EHLERS-DANLOS SYNDROME, GRAVIS TYPE; EHLERS-DANLOS SYNDROME, SEVERE CLASSIC TYPE; Ehlers-Danlos syndrome, type 1; Ehlers-Danlos Syndrome, Classic Type, COL5A1-Related; EDS I. Identifiers: MedGen C0268335, MONDO:0019567, OMIM 130000.
Familial thoracic aortic aneurysm and aortic dissection (TAAD). Also called: Thoracic aortic aneurysms and dissections. Identifiers: Orphanet 91387, MedGen C4707243, MONDO:0019625.

gnomAD v4.1: 26 of 1,614,092 alleles (0.0016%); highest among the groups gnomAD compares: East Asian, 0.0089%; no homozygotes.

Submissions (6):

Ambry Genetics
Classification: Likely benign for Familial thoracic aortic aneurysm and aortic dissection. Last evaluated: 2026-06-04. Review status: criteria provided, single submitter. Criteria: Ambry Variant Classification Scheme 2023. Collection method: clinical testing. Allele origin: germline.

Women's Health and Genetics/Laboratory Corporation of America, LabCorp
Classification: Likely benign. Last evaluated: 2025-12-09. Review status: criteria provided, single submitter. Criteria: LabCorp Variant Classification Summary - May 2015. Collection method: clinical testing. Allele origin: germline.
Comment: Variant summary: COL5A1 c.1223C>T (p.Thr408Met) results in a non-conservative amino acid change in the encoded protein sequence. Algorithms developed to predict the effect of missense changes on protein structure and function are either unavailable or do not agree on the potential impact of this missense change. The variant allele was found at a frequency of 1.6e-05 in 1614092 control chromosomes. This frequency is not significantly higher than estimated for disease-causing variants in COL5A1, allowing no conclusion about variant significance. However, a total of 26 heterozygotes of this variant was observed in the gnomAD v4 database. To our knowledge, no occurrence of c.1223C>T in individuals affected with COL5A1-related conditions and no experimental evidence demonstrating its impact on protein function have been reported. ClinVar contains an entry for this variant (Variation ID: 1163514). Based on the evidence outlined above, the variant was classified as likely benign.

Labcorp Genetics (formerly Invitae), Labcorp
Classification: Benign for Ehlers-Danlos syndrome, classic type, 1. Last evaluated: 2025-09-23. Review status: criteria provided, single submitter. Criteria: Invitae Variant Classification Sherloc (09022015). Collection method: clinical testing. Allele origin: germline.

Blueprint Genetics
Classification: Likely benign. Last evaluated: 2024-08-08. Review status: criteria provided, single submitter. Criteria: ACMG Guidelines, 2015. Collection method: clinical testing. Allele origin: germline.

CeGaT Center for Human Genetics Tuebingen
Classification: Uncertain significance. Last evaluated: 2021-02-01. Review status: criteria provided, single submitter. Criteria: CeGaT Center For Human Genetics Tuebingen Variant Classification Criteria Version 2. Collection method: clinical testing. Allele origin: germline. Affected: yes. Observed: 1 variant allele.

Mayo Clinic Laboratories, Mayo Clinic
Classification: Uncertain significance. Last evaluated: 2019-11-04. Review status: criteria provided, single submitter. Criteria: ACMG Guidelines, 2015. Collection method: clinical testing. Allele origin: germline. Observed: 1 variant allele.

NM_000093.5(COL5A1):c.1223C>T (p.Thr408Met)

Gene: COL5A1 (collagen type V alpha 1 chain; plus strand). Cytogenetic location: 9q34.3.
Variant type: single nucleotide variant.
Coding change: c.1223C>T on transcript NM_000093.5 (MANE Select); coding-DNA position 1223, C replaced by T.
Protein change: p.Thr408Met; replaces threonine 408 with methionine.
Molecular consequence: missense variant.
Genome position (GRCh38, 1-based): chr9:134,731,554, C>T. VCF-style: chr9-134731554-C-T. GRCh37 (hg19) VCF-style: chr9-137623400-C-T.
Other names: c.1223C>T, p.Thr408Met (NM_001278074.1); c.1223C>T (NM_000093.3); short protein forms T408M.
Identifiers: ClinVar variation 1163514 (VCV001163514.46), dbSNP rs758197769, ClinGen allele CA5318679.